The following is an entry in ClinVar:

ClinVar aggregate classification (germline): Benign. Review status: criteria provided, multiple submitters, no conflicts (2 of 4 stars). 6 submissions from 6 submitters: Benign (5). 1 of the submissions does not count toward it. Last evaluated 2026-01-27.

Conditions:
Hereditary intrinsic factor deficiency (IFD). Also called: Congenital intrinsic factor deficiency; PERNICIOUS ANEMIA, CONGENITAL, DUE TO DEFECT OF INTRINSIC FACTOR. Identifiers: Orphanet 332, MedGen C2062370, MONDO:0009852, OMIM 261000.
Intrinsic factor deficiency, congenital, susceptibility to.

Allele frequency attached by ClinVar (database versions not stated): gnomAD exomes 0.05432 and 0.05894; ExAC 0.06072; gnomAD 0.09596 and 0.09973; TOPMed 0.09620; 1000 Genomes Project 0.10264; 1000 Genomes Project 30x 0.10322.

Submissions (6):

Labcorp Genetics (formerly Invitae), Labcorp
Classification: Benign for Hereditary intrinsic factor deficiency. Last evaluated: 2026-01-27. Review status: criteria provided, single submitter. Criteria: Invitae Variant Classification Sherloc (09022015). Collection method: clinical testing. Allele origin: germline.

Mayo Clinic Laboratories, Mayo Clinic
Classification: Benign. Last evaluated: 2022-03-03. Review status: criteria provided, single submitter. Criteria: ACMG Guidelines, 2015. Collection method: clinical testing. Allele origin: germline. Observed: 10 variant alleles.

GeneDx
Classification: Benign. Last evaluated: 2021-05-04. Review status: criteria provided, single submitter. Criteria: GeneDx Variant Classification Process June 2021. Collection method: clinical testing. Allele origin: germline. Affected: yes.

Illumina Laboratory Services, Illumina
Classification: Benign for Hereditary intrinsic factor deficiency. Last evaluated: 2018-01-12. Review status: criteria provided, single submitter. Criteria: ICSL Variant Classification Criteria 13 December 2019. Collection method: clinical testing. Allele origin: germline.
Comment: This variant was observed in the ICSL laboratory as part of a predisposition screen in an ostensibly healthy population. It had not been previously curated by ICSL or reported in the Human Gene Mutation Database (HGMD: prior to June 1st, 2018), and was therefore a candidate for classification through an automated scoring system. Utilizing variant allele frequency, disease prevalence and penetrance estimates, and inheritance mode, an automated score was calculated to assess if this variant is too frequent to cause the disease. Based on the score and internal cut-off values, a variant classified as benign is not then subjected to further curation. The score for this variant resulted in a classification of benign for this disease.

Breakthrough Genomics
Classification: Benign. Review status: criteria provided, single submitter. Criteria: ACMG Guidelines, 2015. Collection method: not provided. Allele origin: germline. Inheritance: Autosomal recessive inheritance. Affected: yes.

OMIM
Classification: risk factor for INTRINSIC FACTOR DEFICIENCY, CONGENITAL, SUSCEPTIBILITY TO. Last evaluated: 2005-03-15. Review status: no assertion criteria provided. Collection method: literature only. Allele origin: germline. Not counted in ClinVar's aggregate classification.

Literature cited by the submitters: PubMed 14695536 (cited by OMIM); PubMed 15738392 (cited by OMIM).

NM_005142.3(CBLIF):c.68A>G (p.Gln23Arg)

Gene: CBLIF (cobalamin binding intrinsic factor; minus strand). Cytogenetic location: 11q12.1.
Variant type: single nucleotide variant.
Coding change: c.68A>G on transcript NM_005142.3 (MANE Select); coding-DNA position 68, A replaced by G.
Protein change: p.Gln23Arg; replaces glutamine 23 with arginine.
Molecular consequence: missense variant.
Genome position (GRCh38, 1-based): chr11:59,845,386, T>C on the plus strand (A>G on the coding strand, the complement: CBLIF is on the minus strand). VCF-style: chr11-59845386-T-C. GRCh37 (hg19) VCF-style: chr11-59612859-T-C.
Other names: CBLIF, GLN5ARG; short protein forms Q23R.
Identifiers: ClinVar variation 1742 (VCV000001742.16), dbSNP rs35211634, ClinGen allele CA115167.